The following is an entry in ClinVar:

ClinVar aggregate classification (germline): Uncertain significance (1 of 4 stars; one submission).

Conditions:
X-linked Alport syndrome (ATS1). Also called: COL4A5-Related Nephropathy; NEPHROPATHY AND DEAFNESS, X-LINKED. Identifiers: Orphanet 63, Orphanet 88917, MedGen C4746986, MONDO:0010520, OMIM 301050.

gnomAD v4.1: 1 of 111,922 alleles (0.00089%); highest among the groups gnomAD compares: Non-Finnish European, 0.0019%; no homozygotes.

Submission:

MVZ Medizinische Genetik Mainz
Classification: Uncertain significance for X-linked Alport syndrome. Last evaluated: 2024-03-27. Review status: criteria provided, single submitter. Criteria: UK Practice Guidelines For Variant Classification V4 01 2020. Collection method: clinical testing. Allele origin: germline. Inheritance: Autosomal dominant inheritance. Affected: yes. Observed: 1 variant allele.
Comment: ACMG Criteria: PM2_SUP,PP4

NM_033380.3(COL4A5):c.609+833C>A

Gene: COL4A5 (collagen type IV alpha 5 chain; plus strand). Cytogenetic location: Xq22.3.
Variant type: single nucleotide variant.
Coding change: c.609+833C>A on transcript NM_033380.3 (MANE Select); 833 bases into the intron after coding-DNA position 609, C replaced by A.
Molecular consequence: intron variant.
Genome position (GRCh38, 1-based): chrX:108,576,805, C>A. VCF-style: chrX-108576805-C-A. GRCh37 (hg19) VCF-style: chrX-107820035-C-A.
Other names: c.609+833C>A (NM_000495.5).
Identifiers: ClinVar variation 3256670 (VCV003256670.1).